The following is an entry in ClinVar:

NM_003482.4(KMT2D):c.6833T>G (p.Phe2278Cys)

Gene: KMT2D (lysine methyltransferase 2D; minus strand). Cytogenetic location: 12q13.12.
Variant type: single nucleotide variant.
Coding change: c.6833T>G on transcript NM_003482.4 (MANE Select); coding-DNA position 6833, T replaced by G.
Protein change: p.Phe2278Cys; replaces phenylalanine 2278 with cysteine.
Molecular consequence: missense variant.
Genome position (GRCh38, 1-based): chr12:49,040,937, A>C on the plus strand (T>G on the coding strand, the complement: KMT2D is on the minus strand). VCF-style: chr12-49040937-A-C. GRCh37 (hg19) VCF-style: chr12-49434720-A-C.
Other names: short protein forms F2278C.
Identifiers: ClinVar variation 3618668 (VCV003618668.2).

ClinVar aggregate classification (germline): Uncertain significance (1 of 4 stars; one submission).

Conditions:
Kabuki syndrome. Also called: Kabuki make-up syndrome; NIIKAWA-KUROKI SYNDROME. Identifiers: Orphanet 2322, MedGen C0796004, MONDO:0016512.

Submission:

Labcorp Genetics (formerly Invitae), Labcorp
Classification: Uncertain significance for Kabuki syndrome. Last evaluated: 2024-02-06. Review status: criteria provided, single submitter. Criteria: Invitae Variant Classification Sherloc (09022015). Collection method: clinical testing. Allele origin: germline.
Comment: This sequence change replaces phenylalanine, which is neutral and non-polar, with cysteine, which is neutral and slightly polar, at codon 2278 of the KMT2D protein (p.Phe2278Cys). This variant is not present in population databases (gnomAD no frequency). This variant has not been reported in the literature in individuals affected with KMT2D-related conditions. Advanced modeling of protein sequence and biophysical properties (such as structural, functional, and spatial information, amino acid conservation, physicochemical variation, residue mobility, and thermodynamic stability) performed at Invitae indicates that this missense variant is not expected to disrupt KMT2D protein function with a negative predictive value of 95%. In summary, the available evidence is currently insufficient to determine the role of this variant in disease. Therefore, it has been classified as a Variant of Uncertain Significance.